The following is an entry in ClinVar:

NM_000875.5(IGF1R):c.1949G>A (p.Arg650Gln)

Gene: IGF1R (insulin like growth factor 1 receptor; plus strand). Cytogenetic location: 15q26.3.
Variant type: single nucleotide variant.
Coding change: c.1949G>A on transcript NM_000875.5 (MANE Select); coding-DNA position 1949, G replaced by A.
Protein change: p.Arg650Gln; replaces arginine 650 with glutamine.
Molecular consequence: missense variant.
Genome position (GRCh38, 1-based): chr15:98,916,084, G>A. VCF-style: chr15-98916084-G-A. GRCh37 (hg19) VCF-style: chr15-99459313-G-A.
Other names: c.1949G>A, p.Arg650Gln (NM_001291858.2); short protein forms R650Q.
Identifiers: ClinVar variation 783720 (VCV000783720.16), dbSNP rs61731172, ClinGen allele CA7752246.
Genomic context (GRCh38, chr15:98,916,084, plus strand): 5'-AGTGGAACCCTCCCTCTCTGCCCAACGGCAACCTGAGTTACTACATTGTGCGCTGGCAGC[G>A]GCAGCCTCAGGACGGCTACCTTTACCGGCACAATTACTGCTCCAAAGGTAAGGGTGCAGC-3'
Protein context (NP_000866.1, residues 640-660): NLSYYIVRWQ[Arg650Gln]QPQDGYLYRH

ClinVar aggregate classification (germline): Benign/Likely benign. Review status: criteria provided, multiple submitters, no conflicts (2 of 4 stars). 7 submissions from 7 submitters: Benign (1); Likely benign (3). 3 of the submissions do not count toward it. Last evaluated 2026-01-19.

Conditions:
Growth delay due to insulin-like growth factor I resistance. Also called: Insulin-Like Growth Factor I Resistance; IGF-I RESISTANCE; Somatomedin end-organ insensitivity to; Somatomedin-c resistance to; IGF-1 resistance. Identifiers: Orphanet 73273, MedGen C1849157, MONDO:0010038, OMIM 270450.
IGF1R-related disorder. Also called: IGF1R-related condition.

Allele frequency attached by ClinVar (database versions not stated): gnomAD exomes 0.00027 and 0.00043; ExAC 0.00053; 1000 Genomes Project 30x 0.00125; 1000 Genomes Project 0.00140; gnomAD 0.00183 and 0.00198; ESP Exome Variant Server 0.00223; TOPMed 0.00227.
gnomAD v4.1: 689 of 1,614,164 alleles (0.043%); highest among the groups gnomAD compares: African/African-American, 0.67%; 6 homozygotes.

Submissions (7):

Labcorp Genetics (formerly Invitae), Labcorp
Classification: Benign. Last evaluated: 2026-01-19. Review status: criteria provided, single submitter. Criteria: Invitae Variant Classification Sherloc (09022015). Collection method: clinical testing. Allele origin: germline.

Women's Health and Genetics/Laboratory Corporation of America, LabCorp
Classification: Likely benign. Last evaluated: 2025-06-03. Review status: criteria provided, single submitter. Criteria: LabCorp Variant Classification Summary - May 2015. Collection method: clinical testing. Allele origin: germline.
Comment: Variant summary: IGF1R c.1949G>A (p.Arg650Gln) results in a conservative amino acid change in the encoded protein sequence. Algorithms developed to predict the effect of missense changes on protein structure and function are either unavailable or do not agree on the potential impact of this missense change. The variant allele was found at a frequency of 0.00043 in 251478 control chromosomes, predominantly at a frequency of 0.0059 within the African or African-American subpopulation in the gnomAD database, including one homozygote. The observed variant frequency within African or African-American control individuals in the gnomAD database exceeds the estimated maximal expected allele frequency for a pathogenic variant in IGF1R causing Growth Delay Due To Insulin-Like Growth Factor I Resistance phenotype. To our knowledge, no occurrence of c.1949G>A in individuals affected with Growth Delay Due To Insulin-Like Growth Factor I Resistance and no experimental evidence demonstrating its impact on protein function have been reported. ClinVar contains an entry for this variant (Variation ID: 783720). Based on the evidence outlined above, the variant was classified as likely benign.

Blueprint Genetics
Classification: Likely benign. Last evaluated: 2024-07-17. Review status: criteria provided, single submitter. Criteria: ACMG Guidelines, 2015. Collection method: clinical testing. Allele origin: germline.

Department of Pathology and Laboratory Medicine, Sinai Health System
Classification: Likely benign for Growth delay due to insulin-like growth factor I resistance. Last evaluated: 2021-07-30. Review status: criteria provided, single submitter. Criteria: ACMG Guidelines, 2015. Collection method: research. Allele origin: germline.

PreventionGenetics, part of Exact Sciences
Classification: Likely benign for IGF1R-related condition. Last evaluated: 2020-06-22. Review status: no assertion criteria provided. Collection method: clinical testing. Allele origin: germline. Not counted in ClinVar's aggregate classification.
Comment: This variant is classified as likely benign based on ACMG/AMP sequence variant interpretation guidelines (Richards et al. 2015 PMID: 25741868, with internal and published modifications).

Clinical Genetics DNA and cytogenetics Diagnostics Lab, Erasmus MC, Erasmus Medical Center
Classification: Benign. Review status: no assertion criteria provided. Collection method: clinical testing. Allele origin: germline. Affected: yes. Study: VKGL Data-share Consensus. Not counted in ClinVar's aggregate classification.

Laboratory of Diagnostic Genome Analysis, Leiden University Medical Center (LUMC)
Classification: Benign. Review status: no assertion criteria provided. Collection method: clinical testing. Allele origin: germline. Affected: yes. Study: VKGL Data-share Consensus. Not counted in ClinVar's aggregate classification.